The following is an entry in ClinVar:

ClinVar aggregate classification (germline): Uncertain significance (1 of 4 stars; one submission).

Conditions:
SLC4A1-related disorder. Also called: SLC4A1-related condition; SLC4A1-related disorders.

gnomAD v4.1: 13 of 1,614,260 alleles (0.00081%); highest among the groups gnomAD compares: South Asian, 0.0044%; no homozygotes.

Submission:

PreventionGenetics, part of Exact Sciences
Classification: Uncertain significance for SLC4A1-related condition. Last evaluated: 2024-11-07. Review status: criteria provided, single submitter. Criteria: ACMG Guidelines, 2015. Collection method: clinical testing. Allele origin: germline.
Comment: The SLC4A1 c.2473G>A variant is predicted to result in the amino acid substitution p.Val825Ile. To our knowledge, this variant has not been reported in the literature. This variant is reported in 0.0065% of alleles in individuals of South Asian descent in gnomAD. At this time, the clinical significance of this variant is uncertain due to the absence of conclusive functional and genetic evidence.

NM_000342.4(SLC4A1):c.2473G>A (p.Val825Ile)

Gene: SLC4A1 (solute carrier family 4 member 1 (Diego blood group); minus strand). Cytogenetic location: 17q21.31.
Variant type: single nucleotide variant.
Coding change: c.2473G>A on transcript NM_000342.4 (MANE Select); coding-DNA position 2473, G replaced by A.
Protein change: p.Val825Ile; replaces valine 825 with isoleucine.
Molecular consequence: missense variant.
Genome position (GRCh38, 1-based): chr17:44,251,427, C>T on the plus strand (G>A on the coding strand, the complement: SLC4A1 is on the minus strand). VCF-style: chr17-44251427-C-T. GRCh37 (hg19) VCF-style: chr17-42328795-C-T.
Other names: short protein forms V825I.
Identifiers: ClinVar variation 4981117 (VCV004981117.1).
Genomic context (GRCh38, chr17:44,251,427, plus strand): 5'-CCCCAGCACCCTCTACCACCCCAGGCTGGGCAGCCAGAAAAGGGTCCTGTACCCGCTTGA[C>T]GTAGGGCACATCTGGGTGATACTTGGGTGGCTTGAACAGAAGCAAGATGCGGTCAAAGAG-3'
Protein context (NP_000333.1, residues 815-835): PPKYHPDVPY[Val825Ile]KRVKTWRMHL